The following is an entry in ClinVar:

ClinVar aggregate classification (germline): Uncertain significance (1 of 4 stars; one submission).

Conditions:
Methylmalonic acidemia with homocystinuria, type cblX (MAHCX). Also called: INTELLECTUAL DEVELOPMENTAL DISORDER, X-LINKED 3. Identifiers: Orphanet 369962, MedGen C0796208, MONDO:0010657, OMIM 309541.

Submission:

Labcorp Genetics (formerly Invitae), Labcorp
Classification: Uncertain significance for Methylmalonic acidemia with homocystinuria, type cblX. Last evaluated: 2023-10-03. Review status: criteria provided, single submitter. Criteria: Invitae Variant Classification Sherloc (09022015). Collection method: clinical testing. Allele origin: germline.
Comment: This sequence change replaces proline, which is neutral and non-polar, with arginine, which is basic and polar, at codon 1201 of the HCFC1 protein (p.Pro1201Arg). This variant is not present in population databases (gnomAD no frequency). This variant has not been reported in the literature in individuals affected with HCFC1-related conditions. An algorithm developed to predict the effect of missense changes on protein structure and function (PolyPhen-2) suggests that this variant is likely to be tolerated. In summary, the available evidence is currently insufficient to determine the role of this variant in disease. Therefore, it has been classified as a Variant of Uncertain Significance.

NM_005334.3(HCFC1):c.3602C>G (p.Pro1201Arg)

Gene: HCFC1 (host cell factor C1; minus strand). Cytogenetic location: Xq28.
Variant type: single nucleotide variant.
Coding change: c.3602C>G on transcript NM_005334.3 (MANE Select); coding-DNA position 3602, C replaced by G.
Protein change: p.Pro1201Arg; replaces proline 1201 with arginine.
Molecular consequence: missense variant.
Genome position (GRCh38, 1-based): chrX:153,954,797, G>C on the plus strand (C>G on the coding strand, the complement: HCFC1 is on the minus strand). VCF-style: chrX-153954797-G-C. GRCh37 (hg19) VCF-style: chrX-153220248-G-C.
Other names: c.3602C>G, p.Pro1201Arg (NM_001410705.1); short protein forms P1201R.
Identifiers: ClinVar variation 2785742 (VCV002785742.3), dbSNP rs2521551017, ClinGen allele CA415122758.